The following is an entry in ClinVar:

NM_003073.5(SMARCB1):c.363-2A>G

Gene: SMARCB1 (SWI/SNF related BAF chromatin remodeling complex subunit B1; plus strand). Cytogenetic location: 22q11.23.
Variant type: single nucleotide variant.
Coding change: c.363-2A>G on transcript NM_003073.5 (MANE Select); the canonical splice acceptor site of the intron before coding-DNA position 363, A replaced by G.
Molecular consequence: splice acceptor variant.
Genome position (GRCh38, 1-based): chr22:23,800,942, A>G. VCF-style: chr22-23800942-A-G. GRCh37 (hg19) VCF-style: chr22-24143129-A-G.
Other names: c.363-2A>G (NM_001362877.2); c.336-2A>G (NM_001317946.2, NM_001007468.3).
Identifiers: ClinVar variation 2751923 (VCV002751923.3), dbSNP rs2145977981, ClinGen allele CA410934278.
Genomic context (GRCh38, chr22:23,800,942, plus strand): 5'-TTCCTGGTGGGCAGGATCAGGCTCCTATACTGACTGGGAGGACTTTTCTTGTATCTCCTC[A>G]GGGAACAGAAGGCCAAGAGGAACAGCCAGTGGGTACCCACCCTGCCCAACAGCTCCCACC-3'

ClinVar aggregate classification (germline): Likely pathogenic (1 of 4 stars; one submission).

Submission:

Labcorp Genetics (formerly Invitae), Labcorp
Classification: Likely pathogenic. Last evaluated: 2023-08-14. Review status: criteria provided, single submitter. Criteria: Invitae Variant Classification Sherloc (09022015). Collection method: clinical testing. Allele origin: germline.
Comment: This sequence change affects an acceptor splice site in intron 3 of the SMARCB1 gene. It is expected to disrupt RNA splicing. Variants that disrupt the donor or acceptor splice site typically lead to a loss of protein function (PMID: 16199547), and loss-of-function variants in SMARCB1 are known to be pathogenic (PMID: 10521299, 21208904). This variant is not present in population databases (gnomAD no frequency). This variant has not been reported in the literature in individuals affected with SMARCB1-related conditions. Algorithms developed to predict the effect of sequence changes on RNA splicing suggest that this variant may disrupt the consensus splice site. In summary, the currently available evidence indicates that the variant is pathogenic, but additional data are needed to prove that conclusively. Therefore, this variant has been classified as Likely Pathogenic.

Literature cited by the submitters: PubMed 16199547; PubMed 10521299; PubMed 21208904.